The following is an entry in ClinVar:

NM_000132.4(F8):c.4912A>G (p.Lys1638Glu)

Gene: F8 (coagulation factor VIII; minus strand). Cytogenetic location: Xq28.
Variant type: single nucleotide variant.
Coding change: c.4912A>G on transcript NM_000132.4 (MANE Select); coding-DNA position 4912, A replaced by G.
Protein change: p.Lys1638Glu; replaces lysine 1638 with glutamic acid.
Molecular consequence: missense variant.
Genome position (GRCh38, 1-based): chrX:154,928,878, T>C on the plus strand (A>G on the coding strand, the complement: F8 is on the minus strand). VCF-style: chrX-154928878-T-C. GRCh37 (hg19) VCF-style: chrX-154157153-T-C.
Other names: short protein forms K1638E.
Identifiers: ClinVar variation 3037084 (VCV003037084.2), dbSNP rs782716237, ClinGen allele CA10568065.

ClinVar aggregate classification (germline): Likely benign (0 of 4 stars; one submission).

Conditions:
F8-related disorder. Also called: F8-related condition.

Allele frequency attached by ClinVar (database versions not stated): gnomAD exomes 0.00001; ExAC 0.00005; TOPMed 0.00007; gnomAD 0.00008; 1000 Genomes Project 0.00026; 1000 Genomes Project 30x 0.00042.
gnomAD v4.1: 28 of 1,210,251 alleles (0.0023%); highest among the groups gnomAD compares: East Asian, 0.056%; no homozygotes.

Submission:

PreventionGenetics, part of Exact Sciences
Classification: Likely benign for F8-related condition. Last evaluated: 2023-03-14. Review status: no assertion criteria provided. Collection method: clinical testing. Allele origin: germline.
Comment: This variant is classified as likely benign based on ACMG/AMP sequence variant interpretation guidelines (Richards et al. 2015 PMID: 25741868, with internal and published modifications).